The following is an entry in ClinVar:

NM_006567.5(FARS2):c.874G>A (p.Gly292Arg)

Gene: FARS2 (phenylalanyl-tRNA synthetase 2, mitochondrial; plus strand). Cytogenetic location: 6p25.1.
Variant type: single nucleotide variant.
Coding change: c.874G>A on transcript NM_006567.5 (MANE Select); coding-DNA position 874, G replaced by A.
Protein change: p.Gly292Arg; replaces glycine 292 with arginine.
Molecular consequence: missense variant. On other transcripts: intron variant (1).
Genome position (GRCh38, 1-based): chr6:5,431,142, G>A. VCF-style: chr6-5431142-G-A. GRCh37 (hg19) VCF-style: chr6-5431375-G-A.
Other names: c.874G>A, p.Gly292Arg (NM_001318872.2, NM_001374875.1, NM_001374876.1 and 4 more transcripts); c.178G>A, p.Gly60Arg (NM_001375259.1, NM_001375260.1); c.772+26441G>A (NM_001375258.1); short protein forms G292R, G60R.
Identifiers: ClinVar variation 950779 (VCV000950779.7), dbSNP rs747278433, ClinGen allele CA3623775.

ClinVar aggregate classification (germline): Uncertain significance. Review status: criteria provided, multiple submitters, no conflicts (2 of 4 stars). 2 submissions from 2 submitters: Uncertain significance (2). Last evaluated 2025-12-30.

Conditions:
Inborn genetic diseases. Identifiers: MedGen C0950123, MeSH D030342.
Combined oxidative phosphorylation defect type 14. Also called: Combined oxidative phosphorylation deficiency 14. Identifiers: Orphanet 319519, MedGen C4755312, MONDO:0013986, OMIM 614946.

Allele frequency attached by ClinVar (database versions not stated): gnomAD exomes 0.00002; TOPMed 0.00002; gnomAD 0.00005.
gnomAD v4.1: 43 of 1,613,714 alleles (0.0027%); highest among the groups gnomAD compares: Admixed American, 0.005%; no homozygotes.

Submissions (2):

Labcorp Genetics (formerly Invitae), Labcorp
Classification: Uncertain significance for Combined oxidative phosphorylation defect type 14. Last evaluated: 2025-12-30. Review status: criteria provided, single submitter. Criteria: Invitae Variant Classification Sherloc (09022015). Collection method: clinical testing. Allele origin: germline.
Comment: This sequence change replaces glycine, which is neutral and non-polar, with arginine, which is basic and polar, at codon 292 of the FARS2 protein (p.Gly292Arg). This variant is present in population databases (rs747278433, gnomAD 0.009%). This variant has not been reported in the literature in individuals affected with FARS2-related conditions. ClinVar contains an entry for this variant (Variation ID: 950779). Invitae Evidence Modeling of protein sequence and biophysical properties (such as structural, functional, and spatial information, amino acid conservation, physicochemical variation, residue mobility, and thermodynamic stability) indicates that this missense variant is expected to disrupt FARS2 protein function with a positive predictive value of 95%. In summary, the available evidence is currently insufficient to determine the role of this variant in disease. Therefore, it has been classified as a Variant of Uncertain Significance.

Ambry Genetics
Classification: Uncertain significance for Inborn genetic diseases. Last evaluated: 2025-10-18. Review status: criteria provided, single submitter. Criteria: Ambry Variant Classification Scheme 2023. Collection method: clinical testing. Allele origin: germline.